The following is an entry in ClinVar:

ClinVar aggregate classification (germline): Pathogenic. Review status: criteria provided, multiple submitters, no conflicts (2 of 4 stars). 2 submissions from 2 submitters: Pathogenic (2). Last evaluated 2023-09-12.

Conditions:
Familial cancer of breast. Also called: hereditary breast carcinoma; Hereditary breast cancer; BREAST CANCER, FAMILIAL. Identifiers: Orphanet 227535, MedGen C0346153, MONDO:0016419, OMIM 114480. Disease mechanism: loss of function.

Submissions (2):

Myriad Genetics, Inc.
Classification: Pathogenic for Familial cancer of breast. Last evaluated: 2023-09-12. Review status: criteria provided, single submitter. Criteria: Myriad Autosomal Dominant, Autosomal Recessive and X-Linked Classification Criteria (2023). Collection method: clinical testing. Allele origin: unknown.
Comment: This variant is considered pathogenic. This variant creates a termination codon and is predicted to result in premature protein truncation.

Labcorp Genetics (formerly Invitae), Labcorp
Classification: Pathogenic for Familial cancer of breast. Last evaluated: 2022-09-02. Review status: criteria provided, single submitter. Criteria: Invitae Variant Classification Sherloc (09022015). Collection method: clinical testing. Allele origin: germline.
Comment: This variant is not present in population databases (gnomAD no frequency). This variant has not been reported in the literature in individuals affected with PALB2-related conditions. For these reasons, this variant has been classified as Pathogenic. This sequence change creates a premature translational stop signal (p.Gly620*) in the PALB2 gene. It is expected to result in an absent or disrupted protein product. Loss-of-function variants in PALB2 are known to be pathogenic (PMID: 17200668, 17200671, 17200672, 24136930, 25099575).

Literature cited by the submitters: PubMed 17200668 (cited by Labcorp Genetics (formerly Invitae), Labcorp); PubMed 17200671 (cited by Labcorp Genetics (formerly Invitae), Labcorp); PubMed 17200672 (cited by Labcorp Genetics (formerly Invitae), Labcorp); PubMed 24136930 (cited by Labcorp Genetics (formerly Invitae), Labcorp); PubMed 25099575 (cited by Labcorp Genetics (formerly Invitae), Labcorp).

NM_024675.4(PALB2):c.1858G>T (p.Gly620Ter)

Gene: PALB2 (partner and localizer of BRCA2; minus strand). Cytogenetic location: 16p12.2.
Variant type: single nucleotide variant.
Coding change: c.1858G>T on transcript NM_024675.4 (MANE Select); coding-DNA position 1858, G replaced by T.
Protein change: p.Gly620Ter; replaces glycine 620 with a stop codon.
Molecular consequence: nonsense.
Genome position (GRCh38, 1-based): chr16:23,630,296, C>A on the plus strand (G>T on the coding strand, the complement: PALB2 is on the minus strand). VCF-style: chr16-23630296-C-A. GRCh37 (hg19) VCF-style: chr16-23641617-C-A.
Other names: c.1798G>T, p.Gly600Ter (NM_001407296.1); c.1858G>T, p.Gly620Ter (NM_001407297.1, NM_001407298.1, NM_001407299.1 and 3 more transcripts); c.973G>T, p.Gly325Ter (NM_001407304.1, NM_001407305.1, NM_001407306.1 and 5 more transcripts); c.70G>T, p.Gly24Ter (NM_001407312.1, NM_001407313.1); short protein forms G24*, G325*, G600*, G620*.
Identifiers: ClinVar variation 1997185 (VCV001997185.5), dbSNP rs777940379, ClinGen allele CA395127751.